The following is an entry in ClinVar:

NM_182760.4(SUMF1):c.811G>A (p.Gly271Ser)

Gene: SUMF1 (sulfatase modifying factor 1; minus strand). Cytogenetic location: 3p26.1.
Variant type: single nucleotide variant.
Coding change: c.811G>A on transcript NM_182760.4 (MANE Select); coding-DNA position 811, G replaced by A.
Protein change: p.Gly271Ser; replaces glycine 271 with serine.
Molecular consequence: missense variant.
Genome position (GRCh38, 1-based): chr3:4,417,157, C>T on the plus strand (G>A on the coding strand, the complement: SUMF1 is on the minus strand). VCF-style: chr3-4417157-C-T. GRCh37 (hg19) VCF-style: chr3-4458841-C-T.
Other names: c.736G>A, p.Gly246Ser (NM_001164674.2); c.811G>A, p.Gly271Ser (NM_001164675.2); short protein forms G271S, G246S.
Identifiers: ClinVar variation 1405102 (VCV001405102.5), dbSNP rs777356483, ClinGen allele CA2230450.

ClinVar aggregate classification (germline): Uncertain significance (1 of 4 stars; one submission).

Conditions:
Multiple sulfatase deficiency (MSD). Also called: Mucosulfatidosis; Multiple Sulfatase Deficiency Disease; Sulfatidosis, Juvenile, Austin Type. Identifiers: Orphanet 585, MedGen C0268263, MONDO:0010088, OMIM 272200.

Allele frequency attached by ClinVar (database versions not stated): gnomAD exomes below 0.00001; ExAC 0.00001; gnomAD 0.00001.
gnomAD v4.1: 3 of 1,613,836 alleles (0.00019%); no homozygotes.

Submission:

Labcorp Genetics (formerly Invitae), Labcorp
Classification: Uncertain significance for Multiple sulfatase deficiency. Last evaluated: 2021-09-01. Review status: criteria provided, single submitter. Criteria: Invitae Variant Classification Sherloc (09022015). Collection method: clinical testing. Allele origin: germline.
Comment: This sequence change replaces glycine with serine at codon 271 of the SUMF1 protein (p.Gly271Ser). The glycine residue is highly conserved and there is a small physicochemical difference between glycine and serine. This variant is present in population databases (rs777356483, ExAC 0.02%). This variant has not been reported in the literature in individuals affected with SUMF1-related conditions. Algorithms developed to predict the effect of missense changes on protein structure and function (SIFT, PolyPhen-2, Align-GVGD) all suggest that this variant is likely to be tolerated. Algorithms developed to predict the effect of sequence changes on RNA splicing suggest that this variant may create or strengthen a splice site. In summary, the available evidence is currently insufficient to determine the role of this variant in disease. Therefore, it has been classified as a Variant of Uncertain Significance.